The following is an entry in ClinVar:

ClinVar aggregate classification (germline): Uncertain significance (1 of 4 stars; one submission).

Conditions:
Neuropathy, hereditary sensory, type 2C. Also called: KIF1A-Related HSAN2 (HSAN2C); Hereditary sensory and autonomic neuropathy type IIC. Identifiers: Orphanet 970, MedGen C3280168, MONDO:0013634, OMIM 614213.
Hereditary spastic paraplegia 30. Identifiers: Orphanet 101010, MedGen C5235139, MONDO:0012476.
Intellectual disability, autosomal dominant 9 (NESCAVS). Also called: KIF1A-Related Neurodevelopmental Disorder; NESCAV SYNDROME. Identifiers: Orphanet 662367, MedGen C5393830, MONDO:0013656, OMIM 614255.

Submission:

Labcorp Genetics (formerly Invitae), Labcorp
Classification: Uncertain significance for Hereditary spastic paraplegia 30; Neuropathy, hereditary sensory, type 2C; Intellectual disability, autosomal dominant 9. Last evaluated: 2025-06-11. Review status: criteria provided, single submitter. Criteria: Invitae Variant Classification Sherloc (09022015). Collection method: clinical testing. Allele origin: germline.
Comment: This sequence change replaces glycine, which is neutral and non-polar, with valine, which is neutral and non-polar, at codon 881 of the KIF1A protein (p.Gly881Val). This variant is not present in population databases (gnomAD no frequency). This variant has not been reported in the literature in individuals affected with KIF1A-related conditions. Invitae Evidence Modeling of protein sequence and biophysical properties (such as structural, functional, and spatial information, amino acid conservation, physicochemical variation, residue mobility, and thermodynamic stability) has been performed for this missense variant. However, the output from this modeling did not meet the statistical confidence thresholds required to predict the impact of this variant on KIF1A protein function. In summary, the available evidence is currently insufficient to determine the role of this variant in disease. Therefore, it has been classified as a Variant of Uncertain Significance.

NM_001244008.2(KIF1A):c.2945G>T (p.Gly982Val)

Gene: KIF1A (kinesin family member 1A; minus strand). Cytogenetic location: 2q37.3.
Variant type: single nucleotide variant.
Coding change: c.2945G>T on transcript NM_001244008.2 (MANE Select); coding-DNA position 2945, G replaced by T.
Protein change: p.Gly982Val; replaces glycine 982 with valine.
Molecular consequence: missense variant.
Genome position (GRCh38, 1-based): chr2:240,750,461, C>A on the plus strand (G>T on the coding strand, the complement: KIF1A is on the minus strand). VCF-style: chr2-240750461-C-A. GRCh37 (hg19) VCF-style: chr2-241689878-C-A.
Other names: c.2669G>T, p.Gly890Val (NM_001320705.2, NM_001330289.2, NM_001379638.1); c.2744G>T, p.Gly915Val (NM_001330290.2, NM_001379634.1, NM_001379635.1 and 1 more transcripts); c.3020G>T, p.Gly1007Val (NM_001379631.1); c.2894G>T, p.Gly965Val (NM_001379632.1); c.2918G>T, p.Gly973Val (NM_001379633.1, NM_001379642.1, NM_001379645.1); c.2642G>T, p.Gly881Val (NM_001379636.1, NM_001379639.1, NM_001379640.1 and 6 more transcripts); c.2717G>T, p.Gly906Val (NM_001379637.1, NM_001379648.1); short protein forms G1007V, G915V, G890V, G906V, G965V, G973V, G881V, G982V.
Identifiers: ClinVar variation 4789377 (VCV004789377.1).